The following is an entry in ClinVar:

ClinVar aggregate classification (germline): Uncertain significance (1 of 4 stars; one submission).

Submission:

Labcorp Genetics (formerly Invitae), Labcorp
Classification: Uncertain significance. Last evaluated: 2022-09-01. Review status: criteria provided, single submitter. Criteria: Invitae Variant Classification Sherloc (09022015). Collection method: clinical testing. Allele origin: germline.
Comment: This variant has not been reported in the literature in individuals affected with NEXMIF-related conditions. This variant is not present in population databases (gnomAD no frequency). This sequence change replaces alanine, which is neutral and non-polar, with serine, which is neutral and polar, at codon 129 of the NEXMIF protein (p.Ala129Ser). Algorithms developed to predict the effect of missense changes on protein structure and function (SIFT, PolyPhen-2, Align-GVGD) all suggest that this variant is likely to be tolerated. In summary, the available evidence is currently insufficient to determine the role of this variant in disease. Therefore, it has been classified as a Variant of Uncertain Significance.

NM_001008537.3(NEXMIF):c.385G>T (p.Ala129Ser)

Gene: NEXMIF (neurite extension and migration factor; minus strand). Cytogenetic location: Xq13.3.
Variant type: single nucleotide variant.
Coding change: c.385G>T on transcript NM_001008537.3 (MANE Select); coding-DNA position 385, G replaced by T.
Protein change: p.Ala129Ser; replaces alanine 129 with serine.
Molecular consequence: missense variant.
Genome position (GRCh38, 1-based): chrX:74,744,172, C>A on the plus strand (G>T on the coding strand, the complement: NEXMIF is on the minus strand). VCF-style: chrX-74744172-C-A. GRCh37 (hg19) VCF-style: chrX-73964007-C-A.
Other names: short protein forms A129S.
Identifiers: ClinVar variation 1998997 (VCV001998997.4), dbSNP rs2519916746, ClinGen allele CA413673596.
Genomic context (GRCh38, chrX:74,744,172, plus strand): 5'-AGCCTAAGCAAGTCCGACTTGGCTGCATGAGACAGTCCCCATTCAGAGCTGACATGCCTG[C>A]AGGCTCCATTATGGCAAATGGAGCTTTCTCACATTCATTGGGAAGTGACCATGTGTTCAG-3'
Protein context (NP_001008537.1, residues 119-139): EKAPFAIMEP[Ala129Ser]GMSALNGDCL